The following is an entry in ClinVar:

NM_003051.4(SLC16A1):c.*1942T>C

Gene: SLC16A1 (solute carrier family 16 member 1; minus strand). Cytogenetic location: 1p13.2.
Variant type: single nucleotide variant.
Coding change: c.*1942T>C on transcript NM_003051.4 (MANE Select); 1942 bases downstream of the stop codon, T replaced by C.
Molecular consequence: 3 prime UTR variant.
Genome position (GRCh38, 1-based): chr1:112,911,949, A>G on the plus strand (T>C on the coding strand, the complement: SLC16A1 is on the minus strand). VCF-style: chr1-112911949-A-G. GRCh37 (hg19) VCF-style: chr1-113454571-A-G.
Other names: c.*1942T>C (NM_001166496.2).
Identifiers: ClinVar variation 291827 (VCV000291827.6), dbSNP rs9429505, ClinGen allele CA10607598.

ClinVar aggregate classification (germline): Benign. Review status: criteria provided, multiple submitters, no conflicts (2 of 4 stars). 2 submissions from 2 submitters: Benign (2). Last evaluated 2018-01-12.

Conditions:
Exercise-induced hyperinsulinism (HHF7). Identifiers: Orphanet 165991, MedGen C1864902, MONDO:0012396, OMIM 610021.

Allele frequency attached by ClinVar (database versions not stated): gnomAD 0.30242 and 0.31556; 1000 Genomes Project 0.24700; gnomAD exomes 0.37500; 1000 Genomes Project 30x 0.25781; TOPMed 0.30210.

Submissions (2):

Illumina Laboratory Services, Illumina
Classification: Benign for Exercise-induced hyperinsulinism. Last evaluated: 2018-01-12. Review status: criteria provided, single submitter. Criteria: ICSL Variant Classification Criteria 13 December 2019. Collection method: clinical testing. Allele origin: germline.
Comment: This variant was observed in the ICSL laboratory as part of a predisposition screen in an ostensibly healthy population. It had not been previously curated by ICSL or reported in the Human Gene Mutation Database (HGMD: prior to June 1st, 2018), and was therefore a candidate for classification through an automated scoring system. Utilizing variant allele frequency, disease prevalence and penetrance estimates, and inheritance mode, an automated score was calculated to assess if this variant is too frequent to cause the disease. Based on the score and internal cut-off values, a variant classified as benign is not then subjected to further curation. The score for this variant resulted in a classification of benign for this disease.

Breakthrough Genomics
Classification: Benign. Review status: criteria provided, single submitter. Criteria: ACMG Guidelines, 2015. Collection method: not provided. Allele origin: germline. Inheritance: Autosomal recessive inheritance. Affected: yes.